The following is an entry in ClinVar:

NM_001378457.1(DMXL2):c.3265C>G (p.Pro1089Ala)

Gene: DMXL2 (Dmx like 2; minus strand). Cytogenetic location: 15q21.2.
Variant type: single nucleotide variant.
Coding change: c.3265C>G on transcript NM_001378457.1 (MANE Select); coding-DNA position 3265, C replaced by G.
Protein change: p.Pro1089Ala; replaces proline 1089 with alanine.
Molecular consequence: missense variant. On other transcripts: non-coding transcript variant (2), intron variant (2).
Genome position (GRCh38, 1-based): chr15:51,499,959, G>C on the plus strand (C>G on the coding strand, the complement: DMXL2 is on the minus strand). VCF-style: chr15-51499959-G-C. GRCh37 (hg19) VCF-style: chr15-51792156-G-C.
Other names: c.3265C>G, p.Pro1089Ala (NM_001174116.3, NM_001378458.1, NM_001378459.1 and 4 more transcripts); c.3025C>G, p.Pro1009Ala (NM_001378464.1); c.2764+7175C>G (NM_001378460.1); c.2765-4825C>G (NM_001174117.3); short protein forms P1089A, P1009A.
Identifiers: ClinVar variation 1932593 (VCV001932593.3), dbSNP rs765040525, ClinGen allele CA7562186.

ClinVar aggregate classification (germline): Uncertain significance (1 of 4 stars; one submission).

Allele frequency attached by ClinVar (database versions not stated): gnomAD exomes below 0.00001; ExAC 0.00001.
gnomAD v4.1: 2 of 1,613,924 alleles (0.00012%); highest among the groups gnomAD compares: Admixed American, 0.0033%; no homozygotes.

Submission:

Labcorp Genetics (formerly Invitae), Labcorp
Classification: Uncertain significance. Last evaluated: 2022-09-29. Review status: criteria provided, single submitter. Criteria: Invitae Variant Classification Sherloc (09022015). Collection method: clinical testing. Allele origin: germline.
Comment: Algorithms developed to predict the effect of missense changes on protein structure and function are either unavailable or do not agree on the potential impact of this missense change (SIFT: "Deleterious"; PolyPhen-2: "Probably Damaging"; Align-GVGD: "Class C0"). This variant has not been reported in the literature in individuals affected with DMXL2-related conditions. This variant is present in population databases (rs765040525, gnomAD 0.006%). This sequence change replaces proline, which is neutral and non-polar, with alanine, which is neutral and non-polar, at codon 1089 of the DMXL2 protein (p.Pro1089Ala). In summary, the available evidence is currently insufficient to determine the role of this variant in disease. Therefore, it has been classified as a Variant of Uncertain Significance.